The following is an entry in ClinVar:

ClinVar aggregate classification (germline): Uncertain significance (1 of 4 stars; one submission).

Allele frequency attached by ClinVar (database versions not stated): gnomAD exomes 0.00001; ExAC 0.00004.
gnomAD v4.1: 6 of 1,613,858 alleles (0.00037%); highest among the groups gnomAD compares: East Asian, 0.013%; no homozygotes.

Submission:

Labcorp Genetics (formerly Invitae), Labcorp
Classification: Uncertain significance. Last evaluated: 2022-03-20. Review status: criteria provided, single submitter. Criteria: Invitae Variant Classification Sherloc (09022015). Collection method: clinical testing. Allele origin: germline.
Comment: Algorithms developed to predict the effect of missense changes on protein structure and function (SIFT, PolyPhen-2, Align-GVGD) all suggest that this variant is likely to be tolerated. In summary, the available evidence is currently insufficient to determine the role of this variant in disease. Therefore, it has been classified as a Variant of Uncertain Significance. This variant has not been reported in the literature in individuals affected with PROM1-related conditions. This variant is present in population databases (rs754046933, gnomAD 0.03%). This sequence change replaces isoleucine, which is neutral and non-polar, with methionine, which is neutral and non-polar, at codon 54 of the PROM1 protein (p.Ile54Met).

NM_006017.3(PROM1):c.162T>G (p.Ile54Met)

Gene: PROM1 (prominin 1; minus strand). Cytogenetic location: 4p15.32.
Variant type: single nucleotide variant.
Coding change: c.162T>G on transcript NM_006017.3 (MANE Select); coding-DNA position 162, T replaced by G.
Protein change: p.Ile54Met; replaces isoleucine 54 with methionine.
Molecular consequence: missense variant.
Genome position (GRCh38, 1-based): chr4:16,075,745, A>C on the plus strand (T>G on the coding strand, the complement: PROM1 is on the minus strand). VCF-style: chr4-16075745-A-C. GRCh37 (hg19) VCF-style: chr4-16077368-A-C.
Other names: c.162T>G, p.Ile54Met (NM_001145847.2, NM_001145848.2, NM_001145849.2 and 6 more transcripts); short protein forms I54M.
Identifiers: ClinVar variation 2114997 (VCV002114997.4), dbSNP rs754046933, ClinGen allele CA2867179.